The following is an entry in ClinVar:

ClinVar aggregate classification (germline): Uncertain significance (1 of 4 stars; one submission).

Allele frequency attached by ClinVar (database versions not stated): gnomAD exomes below 0.00001.

Submission:

Labcorp Genetics (formerly Invitae), Labcorp
Classification: Uncertain significance. Last evaluated: 2022-03-11. Review status: criteria provided, single submitter. Criteria: Invitae Variant Classification Sherloc (09022015). Collection method: clinical testing. Allele origin: germline.
Comment: This sequence change replaces valine, which is neutral and non-polar, with glycine, which is neutral and non-polar, at codon 853 of the LIFR protein (p.Val853Gly). This variant is not present in population databases (gnomAD no frequency). This variant has not been reported in the literature in individuals affected with LIFR-related conditions. Algorithms developed to predict the effect of missense changes on protein structure and function (SIFT, PolyPhen-2, Align-GVGD) all suggest that this variant is likely to be disruptive. In summary, the available evidence is currently insufficient to determine the role of this variant in disease. Therefore, it has been classified as a Variant of Uncertain Significance.

NM_001127671.2(LIFR):c.2558T>G (p.Val853Gly)

Gene: LIFR (LIF receptor subunit alpha; minus strand). Cytogenetic location: 5p13.1.
Variant type: single nucleotide variant.
Coding change: c.2558T>G on transcript NM_001127671.2 (MANE Select); coding-DNA position 2558, T replaced by G.
Protein change: p.Val853Gly; replaces valine 853 with glycine.
Molecular consequence: missense variant.
Genome position (GRCh38, 1-based): chr5:38,484,808, A>C on the plus strand (T>G on the coding strand, the complement: LIFR is on the minus strand). VCF-style: chr5-38484808-A-C. GRCh37 (hg19) VCF-style: chr5-38484910-A-C.
Other names: c.2558T>G, p.Val853Gly (NM_001364297.2, NM_002310.6); c.2525T>G, p.Val842Gly (NM_001364298.2); short protein forms V853G, V842G.
Identifiers: ClinVar variation 1915224 (VCV001915224.2), dbSNP rs1580000452, ClinGen allele CA359535400.